The following is an entry in ClinVar:

ClinVar aggregate classification (germline): Uncertain significance (1 of 4 stars; one submission).

Conditions:
UCP3-related disorder. Also called: UCP3-related condition.

Submission:

PreventionGenetics, part of Exact Sciences
Classification: Uncertain significance for UCP3-related condition. Last evaluated: 2026-02-04. Review status: criteria provided, single submitter. Criteria: ACMG Guidelines, 2015. Collection method: clinical testing. Allele origin: germline.
Comment: The UCP3 c.323C>A variant is predicted to result in the amino acid substitution p.Pro108His. To our knowledge, this variant has not been reported in the literature or in a large population database (gnomAD), indicating this variant is rare. At this time, the clinical significance of this variant is uncertain due to the absence of conclusive functional and genetic evidence.

NM_003356.4(UCP3):c.323C>A (p.Pro108His)

Gene: UCP3 (uncoupling protein 3; minus strand). Cytogenetic location: 11q13.4.
Variant type: single nucleotide variant.
Coding change: c.323C>A on transcript NM_003356.4 (MANE Select); coding-DNA position 323, C replaced by A.
Protein change: p.Pro108His; replaces proline 108 with histidine.
Molecular consequence: missense variant.
Genome position (GRCh38, 1-based): chr11:74,006,183, G>T on the plus strand (C>A on the coding strand, the complement: UCP3 is on the minus strand). VCF-style: chr11-74006183-G-T. GRCh37 (hg19) VCF-style: chr11-73717228-G-T.
Other names: c.323C>A, p.Pro108His (NM_022803.3); short protein forms P108H.
Identifiers: ClinVar variation 4998733 (VCV004998733.1).